The following is an entry in ClinVar:

NM_015338.6(ASXL1):c.3325A>G (p.Met1109Val)

Gene: ASXL1 (ASXL transcriptional regulator 1; plus strand). Cytogenetic location: 20q11.21.
Variant type: single nucleotide variant.
Coding change: c.3325A>G on transcript NM_015338.6 (MANE Select); coding-DNA position 3325, A replaced by G.
Protein change: p.Met1109Val; replaces methionine 1109 with valine.
Molecular consequence: missense variant.
Genome position (GRCh38, 1-based): chr20:32,436,037, A>G. VCF-style: chr20-32436037-A-G. GRCh37 (hg19) VCF-style: chr20-31023840-A-G.
Other names: c.3142A>G, p.Met1048Val (NM_001363734.1); short protein forms M1048V, M1109V.
Identifiers: ClinVar variation 1460749 (VCV001460749.6), dbSNP rs1239404668, ClinGen allele CA408562821.

ClinVar aggregate classification (germline): Uncertain significance (1 of 4 stars; one submission).

Allele frequency attached by ClinVar (database versions not stated): gnomAD exomes below 0.00001.

Submission:

Labcorp Genetics (formerly Invitae), Labcorp
Classification: Uncertain significance. Last evaluated: 2022-06-05. Review status: criteria provided, single submitter. Criteria: Invitae Variant Classification Sherloc (09022015). Collection method: clinical testing. Allele origin: germline.
Comment: This sequence change replaces methionine, which is neutral and non-polar, with valine, which is neutral and non-polar, at codon 1109 of the ASXL1 protein (p.Met1109Val). This variant is present in population databases (no rsID available, gnomAD 0.003%). This variant has not been reported in the literature in individuals affected with ASXL1-related conditions. ClinVar contains an entry for this variant (Variation ID: 1460749). Algorithms developed to predict the effect of missense changes on protein structure and function (SIFT, PolyPhen-2, Align-GVGD) all suggest that this variant is likely to be tolerated. In summary, the available evidence is currently insufficient to determine the role of this variant in disease. Therefore, it has been classified as a Variant of Uncertain Significance.